The following is an entry in ClinVar:

NM_007294.4(BRCA1):c.4578G>T (p.Glu1526Asp)

Gene: BRCA1 (BRCA1 DNA repair associated; minus strand). Cytogenetic location: 17q21.31.
Variant type: single nucleotide variant.
Coding change: c.4578G>T on transcript NM_007294.4 (MANE Select); coding-DNA position 4578, G replaced by T.
Protein change: p.Glu1526Asp; replaces glutamic acid 1526 with aspartic acid.
Molecular consequence: missense variant. On other transcripts: intron variant (3).
Genome position (GRCh38, 1-based): chr17:43,074,428, C>A on the plus strand (G>T on the coding strand, the complement: BRCA1 is on the minus strand). VCF-style: chr17-43074428-C-A. GRCh37 (hg19) VCF-style: chr17-41226445-C-A.
Other names: c.1059G>T, p.Glu353Asp (NM_001408478.1, NM_001408479.1, NM_001408480.1); c.1257G>T, p.Glu419Asp (NM_001408409.1); c.1194G>T, p.Glu398Asp (NM_001408410.1); c.1191G>T, p.Glu397Asp (NM_001408411.1); c.1188G>T, p.Glu396Asp (NM_001408412.1, NM_001408413.1, NM_001408414.1 and 2 more transcripts); c.1152G>T, p.Glu384Asp (NM_001408418.1, NM_001408419.1, NM_001408420.1); c.1146G>T, p.Glu382Asp (NM_001408429.1, NM_001408430.1, NM_001408431.1 and 4 more transcripts); c.1143G>T, p.Glu381Asp (NM_001408432.1, NM_001408433.1, NM_001408434.1 and 10 more transcripts); and 71 more; short protein forms E1397D, E1414D, E1438D, E1457D, E1478D, E1482D, E1484D, E1500D.
Identifiers: ClinVar variation 4842649 (VCV004842649.1).

ClinVar aggregate classification (germline): Uncertain significance (1 of 4 stars; one submission).

Conditions:
Hereditary cancer-predisposing syndrome. Also called: Neoplastic Syndromes, Hereditary; Tumor predisposition; Hereditary Cancer Syndrome; Hereditary neoplastic syndrome. Identifiers: Orphanet 140162, MedGen C0027672, MeSH D009386, MONDO:0015356.

Submission:

Ambry Genetics
Classification: Uncertain significance for Hereditary cancer-predisposing syndrome. Last evaluated: 2025-12-19. Review status: criteria provided, single submitter. Criteria: Ambry Variant Classification Scheme 2023. Collection method: clinical testing. Allele origin: germline.
Comment: The p.E1526D variant (also known as c.4578G>T), located in coding exon 13 of the BRCA1 gene, results from a G to T substitution at nucleotide position 4578. The glutamic acid at codon 1526 is replaced by aspartic acid, an amino acid with highly similar properties. This amino acid position is not well conserved in available vertebrate species. In addition, the in silico prediction for this alteration is inconclusive. Based on the available evidence, the clinical significance of this variant remains unclear.